The following is an entry in ClinVar:

NM_000260.4(MYO7A):c.1039C>T (p.Leu347Phe)

Gene: MYO7A (myosin VIIA; plus strand). Cytogenetic location: 11q13.5.
Variant type: single nucleotide variant.
Coding change: c.1039C>T on transcript NM_000260.4 (MANE Select); coding-DNA position 1039, C replaced by T.
Protein change: p.Leu347Phe; replaces leucine 347 with phenylalanine.
Molecular consequence: missense variant.
Genome position (GRCh38, 1-based): chr11:77,159,482, C>T. VCF-style: chr11-77159482-C-T. GRCh37 (hg19) VCF-style: chr11-76870528-C-T.
Other names: c.1039C>T, p.Leu347Phe (NM_001127180.2); c.1006C>T, p.Leu336Phe (NM_001369365.1); short protein forms L336F, L347F.
Identifiers: ClinVar variation 2913602 (VCV002913602.3), dbSNP rs183443251, ClinGen allele CA381933941.

ClinVar aggregate classification (germline): Uncertain significance (1 of 4 stars; one submission).

gnomAD v4.1: 1 of 1,489,846 alleles (0.000067%); highest among the groups gnomAD compares: Non-Finnish European, 0.000091%; no homozygotes.

Submission:

Labcorp Genetics (formerly Invitae), Labcorp
Classification: Uncertain significance. Last evaluated: 2023-07-07. Review status: criteria provided, single submitter. Criteria: Invitae Variant Classification Sherloc (09022015). Collection method: clinical testing. Allele origin: germline.
Comment: This sequence change replaces leucine, which is neutral and non-polar, with phenylalanine, which is neutral and non-polar, at codon 347 of the MYO7A protein (p.Leu347Phe). This variant is not present in population databases (gnomAD no frequency). In summary, the available evidence is currently insufficient to determine the role of this variant in disease. Therefore, it has been classified as a Variant of Uncertain Significance. Advanced modeling of protein sequence and biophysical properties (such as structural, functional, and spatial information, amino acid conservation, physicochemical variation, residue mobility, and thermodynamic stability) performed at Invitae indicates that this missense variant is not expected to disrupt MYO7A protein function. This variant has not been reported in the literature in individuals affected with MYO7A-related conditions.